The following is an entry in ClinVar:

NM_007194.4(CHEK2):c.683+1G>C

Gene: CHEK2 (checkpoint kinase 2; minus strand). Cytogenetic location: 22q12.1.
Variant type: single nucleotide variant.
Coding change: c.683+1G>C on transcript NM_007194.4 (MANE Select); the canonical splice donor site of the intron after coding-DNA position 683, G replaced by C.
Molecular consequence: splice donor variant. On other transcripts: intron variant (1).
Genome position (GRCh38, 1-based): chr22:28,719,394, C>G on the plus strand (G>C on the coding strand, the complement: CHEK2 is on the minus strand). VCF-style: chr22-28719394-C-G. GRCh37 (hg19) VCF-style: chr22-29115382-C-G.
Other names: c.20+1G>C (NM_001437942.1, NM_001257387.3); c.482+5492G>C (NM_001349956.3); c.683+1G>C (NM_145862.3); c.776+1G>C (NM_001438295.1, NM_001438293.1); c.812+1G>C (NM_001438294.1, NM_001005735.3).
Identifiers: ClinVar variation 265545 (VCV000265545.17), dbSNP rs786203650, ClinGen allele CA10588722.

ClinVar aggregate classification (germline): Likely pathogenic. Review status: criteria provided, multiple submitters, no conflicts (2 of 4 stars). 5 submissions from 5 submitters: Likely pathogenic (5). Last evaluated 2025-10-08.

Conditions:
Familial cancer of breast. Also called: hereditary breast carcinoma; BREAST CANCER, FAMILIAL; Hereditary breast cancer. Identifiers: Orphanet 227535, MedGen C0346153, MONDO:0016419, OMIM 114480. Disease mechanism: loss of function.
Hereditary cancer-predisposing syndrome. Also called: Neoplastic Syndromes, Hereditary; Hereditary neoplastic syndrome; Hereditary Cancer Syndrome; Tumor predisposition. Identifiers: Orphanet 140162, MedGen C0027672, MeSH D009386, MONDO:0015356.

Submissions (5):

Ambry Genetics
Classification: Likely pathogenic for Hereditary cancer-predisposing syndrome. Last evaluated: 2025-10-08. Review status: criteria provided, single submitter. Criteria: Ambry Variant Classification Scheme 2023. Collection method: clinical testing. Allele origin: germline.
Comment: The c.683+1G>C intronic variant results from a G to C substitution one nucleotide after coding exon 4 of the CHEK2 gene. Alterations that disrupt the canonical splice site are expected to cause aberrant splicing, resulting in an abnormal protein or a transcript that is subject to nonsense-mediated mRNA decay. In silico splice site analysis predicts that this alteration will weaken the native splice donor site. This nucleotide position is highly conserved in available vertebrate species. This variant is considered to be rare based on population cohorts in the Genome Aggregation Database (gnomAD). Based on the majority of available evidence to date, this variant is likely to be pathogenic.

Labcorp Genetics (formerly Invitae), Labcorp
Classification: Likely pathogenic for Familial cancer of breast. Last evaluated: 2025-06-10. Review status: criteria provided, single submitter. Criteria: Invitae Variant Classification Sherloc (09022015). Collection method: clinical testing. Allele origin: germline.
Comment: This sequence change affects a donor splice site in intron 5 of the CHEK2 gene. RNA analysis indicates that disruption of this splice site induces altered splicing and may result in an absent or altered protein product. This variant is not present in population databases (gnomAD no frequency). Disruption of this splice site has been observed in individual(s) with breast cancer (PMID: 32885271). ClinVar contains an entry for this variant (Variation ID: 265545). Studies have shown that disruption of this splice site results in skipping of exon 5, and produces a non-functional protein and/or introduces a premature termination codon (internal data). In summary, the currently available evidence indicates that the variant is pathogenic, but additional data are needed to prove that conclusively. Therefore, this variant has been classified as Likely Pathogenic.

Myriad Genetics, Inc.
Classification: Likely pathogenic for Familial cancer of breast. Last evaluated: 2023-06-26. Review status: criteria provided, single submitter. Criteria: Myriad Autosomal Dominant, Autosomal Recessive and X-Linked Classification Criteria (2023). Collection method: clinical testing. Allele origin: unknown.
Comment: This variant is considered likely pathogenic. This variant occurs within a consensus splice junction and is predicted to result in abnormal mRNA splicing of either an out-of-frame exon or an in-frame exon necessary for protein stability and/or normal function.

Color Diagnostics, LLC DBA Color Health
Classification: Likely pathogenic for Hereditary cancer-predisposing syndrome. Last evaluated: 2021-08-03. Review status: criteria provided, single submitter. Criteria: ACMG Guidelines, 2015. Collection method: clinical testing. Allele origin: germline.
Comment: This variant causes a G to C nucleotide substitution at the +1 position of intron 5 of the CHEK2 gene. Splice site prediction tools predict that this variant may have a significant impact on RNA splicing. To our knowledge, RNA studies have not been reported for this variant. This variant has not been reported in individuals affected with hereditary cancer in the literature. This variant has not been identified in the general population by the Genome Aggregation Database (gnomAD). Loss of CHEK2 function is a known mechanism of disease. Based on the available evidence, this variant is classified as Likely Pathogenic.

GeneDx
Classification: Likely pathogenic. Last evaluated: 2016-02-08. Review status: criteria provided, single submitter. Criteria: GeneDx Variant Classification (06012015). Collection method: clinical testing. Allele origin: germline. Affected: yes.
Comment: This variant is denoted CHEK2 c.683+1G>C or IVS5+1G>C and consists of a G>C nucleotide substitution at the +1 position of intron 5 of the CHEK2 gene. This variant destroys a canonical splice donor site and is predicted to cause abnormal gene splicing, leading to either an abnormal message that is subject to nonsense-mediated mRNA decay or to an abnormal protein product. This variant has not, to our knowledge, been published in the literature. Based on the currently available information, we consider CHEK2 c.683+1G>C to be a likely pathogenic variant.

Literature cited by the submitters: PubMed 32885271 (cited by Labcorp Genetics (formerly Invitae), Labcorp).